The following is an entry in ClinVar:

ClinVar aggregate classification (germline): Uncertain significance (1 of 4 stars; one submission).

Conditions:
Hereditary cancer-predisposing syndrome. Also called: Neoplastic Syndromes, Hereditary; Tumor predisposition; Hereditary neoplastic syndrome; Hereditary Cancer Syndrome. Identifiers: Orphanet 140162, MedGen C0027672, MeSH D009386, MONDO:0015356.

Submission:

Ambry Genetics
Classification: Uncertain significance for Hereditary cancer-predisposing syndrome. Last evaluated: 2024-09-09. Review status: criteria provided, single submitter. Criteria: Ambry Variant Classification Scheme 2023. Collection method: clinical testing. Allele origin: germline.
Comment: The c.3873+1G>C intronic variant results from a G to C substitution one nucleotide after coding exon 26 of the SMARCA4 gene. This nucleotide position is highly conserved in available vertebrate species. In silico splice site analysis predicts that this alteration will weaken the native splice donor site. Alterations that disrupt the canonical splice site are expected to cause aberrant splicing, resulting in an abnormal protein or a transcript that is subject to nonsense-mediated mRNA decay. RNA studies have demonstrated that this alteration results in an splice defect involving exons excluded from naturally occurring transcripts; the clinical impact of this abnormal splicing is unknown at this time (Ambry internal data). Since supporting evidence is limited at this time, the clinical significance of this alteration remains unclear.

NM_003072.5(SMARCA4):c.3873+1G>C

Gene: SMARCA4 (SWI/SNF related BAF chromatin remodeling complex subunit ATPase 4; plus strand). Cytogenetic location: 19p13.2.
Variant type: single nucleotide variant.
Coding change: c.3873+1G>C on transcript NM_003072.5 (MANE Select); the canonical splice donor site of the intron after coding-DNA position 3873, G replaced by C.
Molecular consequence: splice donor variant. On other transcripts: intron variant (6).
Genome position (GRCh38, 1-based): chr19:11,033,866, G>C. VCF-style: chr19-11033866-G-C. GRCh37 (hg19) VCF-style: chr19-11144542-G-C.
Other names: c.3873+1G>C (NM_001128844.3, NM_001128849.3, NM_001387283.1); c.3775-257G>C (NM_001128847.4, NM_001411150.1, NM_001374457.1 and 3 more transcripts).
Identifiers: ClinVar variation 824324 (VCV000824324.5), dbSNP rs1600394246, ClinGen allele CA404066877.